The following is an entry in ClinVar:

NM_000138.5(FBN1):c.6163+260del

Gene: FBN1 (fibrillin 1; minus strand). Cytogenetic location: 15q21.1.
Variant type: Deletion.
Coding change: c.6163+260del on transcript NM_000138.5 (MANE Select); 260 bases into the intron after coding-DNA position 6163, one base deleted (A; older notation c.6163+260delA).
Molecular consequence: intron variant.
Genome position (GRCh38, 1-based): chr15:48,441,461, T deleted on the plus strand (A on the coding strand, the reverse complement: FBN1 is on the minus strand). VCF-style (leftmost placement, unchanged base first): chr15-48441460-CT-C. GRCh37 (hg19) VCF-style: chr15-48733657-CT-C.
Other names: c.6163+260delA (NM_000138.4).
Identifiers: ClinVar variation 680957 (VCV000680957.1), dbSNP rs199530067, ClinGen allele CA269530509.

ClinVar aggregate classification (germline): Likely benign (1 of 4 stars; one submission).

Allele frequency attached by ClinVar (database versions not stated): gnomAD 0.00790 and 0.00847; TOPMed 0.00877; 1000 Genomes Project 0.00938; 1000 Genomes Project 30x 0.01093.

Submission:

GeneDx
Classification: Likely benign. Last evaluated: 2018-06-14. Review status: criteria provided, single submitter. Criteria: GeneDx Variant Classification (06012015). Collection method: clinical testing. Allele origin: germline. Affected: yes.
Comment: This variant is considered likely benign or benign based on one or more of the following criteria: it is a conservative change, it occurs at a poorly conserved position in the protein, it is predicted to be benign by multiple in silico algorithms, and/or has population frequency not consistent with disease.